The following is an entry in ClinVar:

NM_198576.4(AGRN):c.5838C>T (p.Pro1946=)

Gene: AGRN (agrin; plus strand). Cytogenetic location: 1p36.33.
Variant type: single nucleotide variant.
Coding change: c.5838C>T on transcript NM_198576.4 (MANE Select); coding-DNA position 5838, C replaced by T.
Protein change: p.Pro1946=; no amino-acid change (proline 1946 retained).
Molecular consequence: synonymous variant.
Genome position (GRCh38, 1-based): chr1:1,053,939, C>T. VCF-style: chr1-1053939-C-T. GRCh37 (hg19) VCF-style: chr1-989319-C-T.
Other names: c.5907C>T, p.Pro1969= (NM_001305275.2); c.5535C>T, p.Pro1845= (NM_001364727.2).
Identifiers: ClinVar variation 735310 (VCV000735310.17), dbSNP rs376329821, ClinGen allele CA510245.
Genomic context (GRCh38, chr1:1,053,939, plus strand): 5'-GCACCTGCAACTGAGCTACAACCTGGGCTCCCAGCCCGTGGTGCTGCGTTCCACCGTGCC[C>T]GTCAACACCAACCGCTGGTTGCGGGTCGTGGCACATAGGTGAGTAGGGAACCCAGCGTGC-3'
Protein context (NP_940978.2, residues 1936-1956): SQPVVLRSTV[Pro1946=]VNTNRWLRVV

ClinVar aggregate classification (germline): Likely benign. Review status: criteria provided, multiple submitters, no conflicts (2 of 4 stars). 2 submissions from 2 submitters: Likely benign (2). Last evaluated 2025-08-19.

Conditions:
Congenital myasthenic syndrome 8. Also called: Myasthenic syndrome, congenital, 8, with pre- and postsynaptic defects; MYASTHENIC SYNDROME, CONGENITAL, DUE TO AGRIN DEFICIENCY. Identifiers: Orphanet 590, MedGen C3808739, MONDO:0014052, OMIM 615120.

Allele frequency attached by ClinVar (database versions not stated): gnomAD exomes 0.00002 and 0.00006; ESP Exome Variant Server 0.00008; gnomAD 0.00011; TOPMed 0.00013; ExAC 0.00020.
gnomAD v4.1: 56 of 1,604,280 alleles (0.0035%); highest among the groups gnomAD compares: African/African-American, 0.021%; no homozygotes.

Submissions (2):

Labcorp Genetics (formerly Invitae), Labcorp
Classification: Likely benign for Congenital myasthenic syndrome 8. Last evaluated: 2025-08-19. Review status: criteria provided, single submitter. Criteria: Invitae Variant Classification Sherloc (09022015). Collection method: clinical testing. Allele origin: germline.

CeGaT Center for Human Genetics Tuebingen
Classification: Likely benign. Last evaluated: 2025-04-01. Review status: criteria provided, single submitter. Criteria: CeGaT Center For Human Genetics Tuebingen Variant Classification Criteria Version 2. Collection method: clinical testing. Allele origin: germline. Affected: yes. Observed: 1 variant allele.
Comment: AGRN: BP4, BP7